The following is an entry in ClinVar:

NM_144997.7(FLCN):c.198G>T (p.Gly66=)

Gene: FLCN (folliculin; minus strand). Cytogenetic location: 17p11.2.
Variant type: single nucleotide variant.
Coding change: c.198G>T on transcript NM_144997.7 (MANE Select); coding-DNA position 198, G replaced by T.
Protein change: p.Gly66=; no amino-acid change (glycine 66 retained).
Molecular consequence: synonymous variant.
Genome position (GRCh38, 1-based): chr17:17,227,940, C>A on the plus strand (G>T on the coding strand, the complement: FLCN is on the minus strand). VCF-style: chr17-17227940-C-A. GRCh37 (hg19) VCF-style: chr17-17131254-C-A.
Other names: c.198G>T (LRG_325t1); c.198G>T, p.Gly66= (NM_001353229.2, NM_001353230.2, NM_001353231.2 and 1 more transcripts).
Identifiers: ClinVar variation 530006 (VCV000530006.16), dbSNP rs1369491093, ClinGen allele CA498421521.

ClinVar aggregate classification (germline): Benign/Likely benign. Review status: criteria provided, multiple submitters, no conflicts (2 of 4 stars). 3 submissions from 3 submitters: Benign (1); Likely benign (2). Last evaluated 2025-12-14.

Conditions:
Hereditary cancer-predisposing syndrome. Also called: Neoplastic Syndromes, Hereditary; Hereditary neoplastic syndrome; Tumor predisposition; Hereditary Cancer Syndrome. Identifiers: Orphanet 140162, MedGen C0027672, MeSH D009386, MONDO:0015356.
Birt-Hogg-Dube syndrome. Also called: Birt Hogg Dubé syndrome. Identifiers: Orphanet 122, MedGen C0346010, MONDO:0800444.
Birt-Hogg-Dube syndrome 1 (BHD1). Also called: FIBROFOLLICULOMAS WITH TRICHODISCOMAS AND ACROCHORDONS. Identifiers: Orphanet 122, MedGen CN375946, MONDO:0800445, OMIM 135150.

Allele frequency attached by ClinVar (database versions not stated): TOPMed below 0.00001.
gnomAD v4.1: 1 of 1,614,152 alleles (0.000062%); highest among the groups gnomAD compares: Non-Finnish European, 0.000085%; no homozygotes.

Submissions (3):

Labcorp Genetics (formerly Invitae), Labcorp
Classification: Likely benign for Birt-Hogg-Dube syndrome. Last evaluated: 2025-12-14. Review status: criteria provided, single submitter. Criteria: Invitae Variant Classification Sherloc (09022015). Collection method: clinical testing. Allele origin: germline.

Myriad Genetics, Inc.
Classification: Benign for Birt-Hogg-Dube syndrome 1. Last evaluated: 2024-10-22. Review status: criteria provided, single submitter. Criteria: Myriad Autosomal Dominant, Autosomal Recessive and X-Linked Classification Criteria (2023). Collection method: clinical testing. Allele origin: unknown.
Comment: This variant is considered benign. This variant is a silent/synonymous amino acid change and it is not expected to impact splicing.

Ambry Genetics
Classification: Likely benign for Hereditary cancer-predisposing syndrome. Last evaluated: 2019-06-03. Review status: criteria provided, single submitter. Criteria: Ambry Variant Classification Scheme 2023. Collection method: clinical testing. Allele origin: germline.